The following is an entry in ClinVar:

NM_031443.4(CCM2):c.631del (p.Cys211fs)

Gene: CCM2 (CCM2 scaffold protein; plus strand). Cytogenetic location: 7p13.
Variant type: Deletion.
Coding change: c.631del on transcript NM_031443.4 (MANE Select); coding-DNA position 631, one base deleted (T; older notation c.631delT).
Protein change: p.Cys211fs; shifts the reading frame from cysteine 211.
Molecular consequence: frameshift variant. On other transcripts: non-coding transcript variant (1), intron variant (1).
Genome position (GRCh38, 1-based): chr7:45,069,847, T deleted. VCF-style (leftmost placement, unchanged base first): chr7-45069846-CT-C. GRCh37 (hg19) VCF-style: chr7-45109445-CT-C.
Other names: c.694del, p.Cys232fs (NM_001029835.2); c.457del, p.Cys153fs (NM_001167934.2, NM_001363459.2); c.631del, p.Cys211fs (NM_001363458.2); c.473-2879del (NM_001167935.2); short protein forms C232fs, C153fs, C211fs.
Identifiers: ClinVar variation 2747032 (VCV002747032.3), dbSNP rs2486144218, ClinGen allele CA2697557259.
Genomic context (GRCh38, chr7:45,069,846, plus strand): 5'-CCAGCCAGACTGACCGAGCAGCTGCTGTCCCCCACTGCAGGTCGCTGCGGAGGAGCTTTG[CT>C]GTCTGCTAGGCCAGGTCTTCCAGGTTGTTTACACGGAGTCCACCATCGACTTTCTGGACA-3'

ClinVar aggregate classification (germline): Pathogenic (1 of 4 stars; one submission).

Conditions:
Cerebral cavernous malformation 2. Also called: Familial Cerebral Cavernous Malformation 2. Identifiers: Orphanet 221061, MedGen C1864041, MONDO:0011304, OMIM 603284.

Submission:

Labcorp Genetics (formerly Invitae), Labcorp
Classification: Pathogenic for Cerebral cavernous malformation 2. Last evaluated: 2023-07-26. Review status: criteria provided, single submitter. Criteria: Invitae Variant Classification Sherloc (09022015). Collection method: clinical testing. Allele origin: germline.
Comment: This sequence change creates a premature translational stop signal (p.Cys211Valfs*3) in the CCM2 gene. It is expected to result in an absent or disrupted protein product. Loss-of-function variants in CCM2 are known to be pathogenic (PMID: 18300272, 24689081). This variant is not present in population databases (gnomAD no frequency). This variant has not been reported in the literature in individuals affected with CCM2-related conditions. For these reasons, this variant has been classified as Pathogenic.

Literature cited by the submitters: PubMed 18300272; PubMed 24689081.